The following is an entry in ClinVar:

ClinVar aggregate classification (germline): Uncertain significance (1 of 4 stars; one submission).

gnomAD v4.1: 63 of 1,613,674 alleles (0.0039%); highest among the groups gnomAD compares: Middle Eastern, 0.016%; no homozygotes.

Submission:

Labcorp Genetics (formerly Invitae), Labcorp
Classification: Uncertain significance. Last evaluated: 2024-03-07. Review status: criteria provided, single submitter. Criteria: Invitae Variant Classification Sherloc (09022015). Collection method: clinical testing. Allele origin: germline.
Comment: This sequence change replaces arginine, which is basic and polar, with glutamine, which is neutral and polar, at codon 2660 of the DCHS1 protein (p.Arg2660Gln). This variant is present in population databases (rs777817641, gnomAD 0.007%). This variant has not been reported in the literature in individuals affected with DCHS1-related conditions. Advanced modeling of protein sequence and biophysical properties (such as structural, functional, and spatial information, amino acid conservation, physicochemical variation, residue mobility, and thermodynamic stability) performed at Invitae indicates that this missense variant is not expected to disrupt DCHS1 protein function with a negative predictive value of 80%. In summary, the available evidence is currently insufficient to determine the role of this variant in disease. Therefore, it has been classified as a Variant of Uncertain Significance.

NM_003737.4(DCHS1):c.7979G>A (p.Arg2660Gln)

Gene: DCHS1 (dachsous cadherin-related 1; minus strand). Cytogenetic location: 11p15.4.
Variant type: single nucleotide variant.
Coding change: c.7979G>A on transcript NM_003737.4 (MANE Select); coding-DNA position 7979, G replaced by A.
Protein change: p.Arg2660Gln; replaces arginine 2660 with glutamine.
Molecular consequence: missense variant.
Genome position (GRCh38, 1-based): chr11:6,623,697, C>T on the plus strand (G>A on the coding strand, the complement: DCHS1 is on the minus strand). VCF-style: chr11-6623697-C-T. GRCh37 (hg19) VCF-style: chr11-6644928-C-T.
Other names: short protein forms R2660Q.
Identifiers: ClinVar variation 3712755 (VCV003712755.2).